The following is an entry in ClinVar:

NM_000268.4(NF2):c.1609G>A (p.Glu537Lys)

Gene: NF2 (NF2, moesin-ezrin-radixin like (MERLIN) tumor suppressor; plus strand). Cytogenetic location: 22q12.2.
Variant type: single nucleotide variant.
Coding change: c.1609G>A on transcript NM_000268.4 (MANE Select); coding-DNA position 1609, G replaced by A.
Protein change: p.Glu537Lys; replaces glutamic acid 537 with lysine.
Molecular consequence: missense variant. On other transcripts: non-coding transcript variant (1), intron variant (1).
Genome position (GRCh38, 1-based): chr22:29,681,473, G>A. VCF-style: chr22-29681473-G-A. GRCh37 (hg19) VCF-style: chr22-30077462-G-A.
Other names: c.1609G>A, p.Glu537Lys (NM_001407066.1, NM_016418.5, NM_181825.3 and 1 more transcripts); c.1378G>A, p.Glu460Lys (NM_001407067.1); c.1483G>A, p.Glu495Lys (NM_181828.3, NM_001407055.1); c.1486G>A, p.Glu496Lys (NM_181829.3, NM_001407054.1, NM_001407058.1); c.1360G>A, p.Glu454Lys (NM_181830.3, NM_181831.3, NM_001407063.1); c.448-13279G>A (NM_181833.3); c.1495G>A, p.Glu499Lys (NM_001407053.1, NM_001407056.1); c.1474G>A, p.Glu492Lys (NM_001407057.1, NM_001407059.1); and 2 more; short protein forms E359K, E454K, E499K, E451K, E495K, E460K, E492K, E496K.
Identifiers: ClinVar variation 2179156 (VCV002179156.6), dbSNP rs2518734272, ClinGen allele CA411150065.
Genomic context (GRCh38, chr22:29,681,473, plus strand): 5'-GATGCATGATACCCTCTTGCCGGCAGAGTGGAATACATGGAAAAGAGCAAGCATCTGCAG[G>A]AGCAGCTCAATGAACTCAAGACAGAAATCGAGGCCTTGAAACTGAAAGAGAGGGAGACAG-3'
Protein context (NP_000259.1, residues 527-547): EYMEKSKHLQ[Glu537Lys]QLNELKTEIE

ClinVar aggregate classification (germline): Uncertain significance. Review status: criteria provided, multiple submitters, no conflicts (2 of 4 stars). 3 submissions from 3 submitters: Uncertain significance (3). Last evaluated 2025-03-02.

Conditions:
Hereditary cancer-predisposing syndrome. Also called: Neoplastic Syndromes, Hereditary; Tumor predisposition; Hereditary Cancer Syndrome; Hereditary neoplastic syndrome. Identifiers: Orphanet 140162, MedGen C0027672, MeSH D009386, MONDO:0015356.
Neurofibromatosis, type 2 (SWNV). Also called: BILATERAL ACOUSTIC NEUROFIBROMATOSIS; SCHWANNOMATOSIS, VESTIBULAR; NF2-Related Schwannomatosis. Identifiers: Orphanet 637, MedGen C0027832, MONDO:0007039, OMIM 101000. Disease mechanism: loss of function.

Allele frequency attached by ClinVar (database versions not stated): gnomAD exomes below 0.00001.
gnomAD v4.1: 1 of 1,614,166 alleles (0.000062%); highest among the groups gnomAD compares: Non-Finnish European, 0.000085%; no homozygotes.

Submissions (3):

Ambry Genetics
Classification: Uncertain significance for Hereditary cancer-predisposing syndrome. Last evaluated: 2025-03-02. Review status: criteria provided, single submitter. Criteria: Ambry Variant Classification Scheme 2023. Collection method: clinical testing. Allele origin: germline.
Comment: The p.E537K variant (also known as c.1609G>A), located in coding exon 15 of the NF2 gene, results from a G to A substitution at nucleotide position 1609. The glutamic acid at codon 537 is replaced by lysine, an amino acid with similar properties. This amino acid position is conserved. In addition, the in silico prediction for this alteration is inconclusive. Based on the available evidence, the clinical significance of this variant remains unclear.

Labcorp Genetics (formerly Invitae), Labcorp
Classification: Uncertain significance for Neurofibromatosis, type 2. Last evaluated: 2023-12-21. Review status: criteria provided, single submitter. Criteria: Invitae Variant Classification Sherloc (09022015). Collection method: clinical testing. Allele origin: germline.
Comment: This sequence change replaces glutamic acid, which is acidic and polar, with lysine, which is basic and polar, at codon 537 of the NF2 protein (p.Glu537Lys). This variant is not present in population databases (gnomAD no frequency). This variant has not been reported in the literature in individuals affected with NF2-related conditions. ClinVar contains an entry for this variant (Variation ID: 2179156). Advanced modeling of protein sequence and biophysical properties (such as structural, functional, and spatial information, amino acid conservation, physicochemical variation, residue mobility, and thermodynamic stability) performed at Invitae indicates that this missense variant is not expected to disrupt NF2 protein function with a negative predictive value of 80%. In summary, the available evidence is currently insufficient to determine the role of this variant in disease. Therefore, it has been classified as a Variant of Uncertain Significance.

All of Us Research Program, National Institutes of Health
Classification: Uncertain significance for Neurofibromatosis, type 2. Last evaluated: 2023-10-06. Review status: criteria provided, single submitter. Criteria: ACMG Guidelines, 2015. Collection method: clinical testing. Allele origin: germline. Inheritance: Autosomal dominant inheritance. Observed: 1 variant allele, 1 heterozygote.
Comment: This missense variant replaces glutamic acid with lysine at codon 537 of the NF2 protein. Computational prediction suggests that this variant may not impact protein structure and function (internally defined REVEL score threshold <= 0.5, PMID: 27666373). To our knowledge, functional studies have not been reported for this variant. This variant has not been reported in individuals affected with NF2-related disorders in the literature. This variant has not been identified in the general population by the Genome Aggregation Database (gnomAD). The available evidence is insufficient to determine the role of this variant in disease conclusively. Therefore, this variant is classified as a Variant of Uncertain Significance.

This study involves interpretation of variants in research participants for the purpose of population health screening. Participant phenotype was not available at the time of variant classification. Additional details can be found in publication PMID: 35346344, PMCID: PMC8962531